The following is an entry in ClinVar:

NM_001367534.1(CAMK2G):c.818G>A (p.Cys273Tyr)

Gene: CAMK2G (calcium/calmodulin dependent protein kinase II gamma; minus strand). Cytogenetic location: 10q22.2.
Variant type: single nucleotide variant.
Coding change: c.818G>A on transcript NM_001367534.1 (MANE Select); coding-DNA position 818, G replaced by A.
Protein change: p.Cys273Tyr; replaces cysteine 273 with tyrosine.
Molecular consequence: missense variant. On other transcripts: non-coding transcript variant (8).
Genome position (GRCh38, 1-based): chr10:73,847,226, C>T on the plus strand (G>A on the coding strand, the complement: CAMK2G is on the minus strand). VCF-style: chr10-73847226-C-T. GRCh37 (hg19) VCF-style: chr10-75606984-C-T.
Other names: c.818G>A, p.Cys273Tyr (NM_001204492.2, NM_001222.4, NM_001320898.2 and 28 more transcripts); c.794G>A, p.Cys265Tyr (NM_001367514.1, NM_001367525.1, NM_001367532.1); c.572G>A, p.Cys191Tyr (NM_001367524.1, NM_001367539.1); c.506G>A, p.Cys169Tyr (NM_001367537.1, NM_001367538.1); c.152G>A, p.Cys51Tyr (NM_001367540.1); c.65G>A, p.Cys22Tyr (NM_001367542.1); short protein forms C169Y, C191Y, C22Y, C265Y, C273Y, C51Y.
Identifiers: ClinVar variation 4887149 (VCV004887149.1).
Genomic context (GRCh38, chr10:73,847,226, plus strand): 5'-CGAGGGCACACAGAAGGCTGACACCCCTGAGCTCCTTGGCCACTAGCAAAGACACTTACA[C>T]AGACCCACGGGTGCTTGAGAGCCTGGTCAGCCGTGATGCGCTTTGCTGGGTTTATGGTCA-3'
Protein context (NP_001354463.1, residues 263-283): ADQALKHPWV[Cys273Tyr]QRSTVASMMH

ClinVar aggregate classification (germline): Uncertain significance (1 of 4 stars; one submission).

gnomAD v4.1: 7 of 1,614,202 alleles (0.00043%); highest among the groups gnomAD compares: Non-Finnish European, 0.00059%; no homozygotes.

Submission:

Women's Health and Genetics/Laboratory Corporation of America, LabCorp
Classification: Uncertain significance. Last evaluated: 2026-06-18. Review status: criteria provided, single submitter. Criteria: LabCorp Variant Classification Summary - May 2015. Collection method: clinical testing. Allele origin: germline.
Comment: Variant summary: CAMK2G c.818G>A (p.Cys273Tyr) results in a non-conservative amino acid change in the encoded protein sequence. Algorithms developed to predict the effect of missense changes on protein structure and function are either unavailable or do not agree on the potential impact of this missense change. Consensus agreement among computation tools predict no significant impact on normal splicing. However, these predictions have yet to be confirmed by functional studies. The variant allele was found at a frequency of 4e-06 in 251314 control chromosomes. The available data on variant occurrences in the general population are insufficient to allow any conclusion about variant significance. To our knowledge, no occurrence of c.818G>A in individuals affected with CAMK2G-related conditions and no experimental evidence demonstrating its impact on protein function have been reported. No submitters have cited clinical-significance assessments for this variant to ClinVar. Based on the evidence outlined above, the variant was classified as uncertain significance.